The following is an entry in ClinVar:

NM_020812.4(DOCK6):c.1694G>T (p.Gly565Val)

Gene: DOCK6 (dedicator of cytokinesis 6; minus strand). Cytogenetic location: 19p13.2.
Variant type: single nucleotide variant.
Coding change: c.1694G>T on transcript NM_020812.4 (MANE Select); coding-DNA position 1694, G replaced by T.
Protein change: p.Gly565Val; replaces glycine 565 with valine.
Molecular consequence: missense variant.
Genome position (GRCh38, 1-based): chr19:11,238,254, C>A on the plus strand (G>T on the coding strand, the complement: DOCK6 is on the minus strand). VCF-style: chr19-11238254-C-A. GRCh37 (hg19) VCF-style: chr19-11348930-C-A.
Other names: c.1694G>T, p.Gly565Val (NM_001367830.1); short protein forms G565V.
Identifiers: ClinVar variation 4832870 (VCV004832870.1).

ClinVar aggregate classification (germline): Uncertain significance (1 of 4 stars; one submission).

Conditions:
Inborn genetic diseases. Identifiers: MedGen C0950123, MeSH D030342.

gnomAD v4.1: 3 of 1,613,130 alleles (0.00019%); highest among the groups gnomAD compares: Non-Finnish European, 0.00025%; no homozygotes.

Submission:

Ambry Genetics
Classification: Uncertain significance for Inborn genetic diseases. Last evaluated: 2025-12-15. Review status: criteria provided, single submitter. Criteria: Ambry Variant Classification Scheme 2023. Collection method: clinical testing. Allele origin: germline.
Comment: The c.1694G>T (p.G565V) alteration is located in exon 15 (coding exon 15) of the DOCK6 gene. This alteration results from a G to T substitution at nucleotide position 1694, causing the glycine (G) at amino acid position 565 to be replaced by a valine (V). Based on data from gnomAD, the T allele has an overall frequency of <0.001% (1/248348) total alleles studied. The highest observed frequency was 0.001% (1/112578) of European (non-Finnish) alleles. Based on insufficient or conflicting evidence, the clinical significance of this alteration remains unclear.